The following is an entry in ClinVar:

ClinVar aggregate classification (germline): Likely benign (1 of 4 stars; one submission).

Allele frequency attached by ClinVar (database versions not stated): gnomAD exomes 0.00001; TOPMed 0.00002.
gnomAD v4.1: 18 of 1,612,804 alleles (0.0011%); highest among the groups gnomAD compares: Non-Finnish European, 0.0014%; no homozygotes.

Submission:

GeneDx
Classification: Likely benign. Last evaluated: 2017-11-30. Review status: criteria provided, single submitter. Criteria: GeneDx Variant Classification (06012015). Collection method: clinical testing. Allele origin: germline. Affected: yes.
Comment: This variant is considered likely benign or benign based on one or more of the following criteria: it is a conservative change, it occurs at a poorly conserved position in the protein, it is predicted to be benign by multiple in silico algorithms, and/or has population frequency not consistent with disease.

NM_001184.4(ATR):c.-6C>T

Gene: ATR (ATR checkpoint kinase; minus strand). Cytogenetic location: 3q23.
Variant type: single nucleotide variant.
Coding change: c.-6C>T on transcript NM_001184.4 (MANE Select); 6 bases upstream of the start codon, C replaced by T.
Molecular consequence: 5 prime UTR variant.
Genome position (GRCh38, 1-based): chr3:142,578,710, G>A on the plus strand (C>T on the coding strand, the complement: ATR is on the minus strand). VCF-style: chr3-142578710-G-A. GRCh37 (hg19) VCF-style: chr3-142297552-G-A.
Other names: c.-6C>T (NM_001354579.2).
Identifiers: ClinVar variation 513642 (VCV000513642.1), dbSNP rs769841006, ClinGen allele CA2650889.